The following is an entry in ClinVar:

NM_004519.4(KCNQ3):c.*6812A>G

Gene: KCNQ3 (potassium voltage-gated channel subfamily Q member 3; minus strand). Cytogenetic location: 8q24.22.
Variant type: single nucleotide variant.
Coding change: c.*6812A>G on transcript NM_004519.4 (MANE Select); 6812 bases downstream of the stop codon, A replaced by G.
Molecular consequence: 3 prime UTR variant.
Genome position (GRCh38, 1-based): chr8:132,122,450, T>C on the plus strand (A>G on the coding strand, the complement: KCNQ3 is on the minus strand). VCF-style: chr8-132122450-T-C. GRCh37 (hg19) VCF-style: chr8-133134697-T-C.
Other names: c.*6812A>G (NM_001204824.2).
Identifiers: ClinVar variation 361769 (VCV000361769.7), dbSNP rs7815106, ClinGen allele CA10630128.
Genomic context (GRCh38, chr8:132,122,450, plus strand): 5'-CTCATTTTTTATTACTCTTAGGTATCAAATTGCAGTCCATTCGACAAGTCTAAGAGGAAT[T>C]ACAAATACATTCCTGAGCACTGAGCTGGGCTTTTGACTACCTCATTGTAAGCCATTCTCA-3'

ClinVar aggregate classification (germline): Benign. Review status: criteria provided, multiple submitters, no conflicts (2 of 4 stars). 2 submissions from 2 submitters: Benign (2). Last evaluated 2018-01-12.

Conditions:
Seizures, benign familial neonatal, 2. Also called: CONVULSIONS, BENIGN FAMILIAL NEONATAL, 2; KCNQ3-Related Self-Limited Familial Neonatal Epilepsy (SLFNE); Benign Neonatal Epilepsy 2; KCNQ3-Related Benign Familial Neonatal Epilepsy; Seizures, benign neonatal, 2. Identifiers: Orphanet 1949, MedGen C1852581, MONDO:0007366, OMIM 121201.

Allele frequency attached by ClinVar (database versions not stated): 1000 Genomes Project 30x 0.26608; TOPMed 0.26063; 1000 Genomes Project 0.26518; gnomAD 0.26027 and 0.26478.

Submissions (2):

Illumina Laboratory Services, Illumina
Classification: Benign for Seizures, benign familial neonatal, 2. Last evaluated: 2018-01-12. Review status: criteria provided, single submitter. Criteria: ICSL Variant Classification Criteria 13 December 2019. Collection method: clinical testing. Allele origin: germline.
Comment: This variant was observed in the ICSL laboratory as part of a predisposition screen in an ostensibly healthy population. It had not been previously curated by ICSL or reported in the Human Gene Mutation Database (HGMD: prior to June 1st, 2018), and was therefore a candidate for classification through an automated scoring system. Utilizing variant allele frequency, disease prevalence and penetrance estimates, and inheritance mode, an automated score was calculated to assess if this variant is too frequent to cause the disease. Based on the score and internal cut-off values, a variant classified as benign is not then subjected to further curation. The score for this variant resulted in a classification of benign for this disease.

Breakthrough Genomics
Classification: Benign. Review status: criteria provided, single submitter. Criteria: ACMG Guidelines, 2015. Collection method: not provided. Allele origin: germline. Inheritance: Autosomal dominant inheritance. Affected: yes.